The following is an entry in ClinVar:

NM_001042492.3(NF1):c.3765dup (p.Leu1256fs)

Gene: NF1 (neurofibromin 1; plus strand). Cytogenetic location: 17q11.2.
Variant type: Duplication.
Coding change: c.3765dup on transcript NM_001042492.3 (MANE Select); coding-DNA position 3765, one base duplicated (A; older notation c.3765dupA).
Protein change: p.Leu1256fs; shifts the reading frame from leucine 1256.
Molecular consequence: frameshift variant.
Genome position (GRCh38, 1-based): chr17:31,235,667, A duplicated; the last of 2 consecutive A bases (chr17:31,235,666-31,235,667); duplicating either gives the same sequence. VCF-style (leftmost placement, unchanged base first): chr17-31235665-C-CA. GRCh37 (hg19) VCF-style: chr17-29562683-C-CA.
Other names: c.3765dupA (NM_000267.3); c.3765dup, p.Leu1256Thrfs (NM_000267.4); short protein forms L1256fs.
Identifiers: ClinVar variation 3404911 (VCV003404911.3).

ClinVar aggregate classification (germline): Pathogenic. Review status: criteria provided, multiple submitters, no conflicts (2 of 4 stars). 2 submissions from 2 submitters: Pathogenic (2). Last evaluated 2024-12-15.

Conditions:
Hereditary cancer-predisposing syndrome. Also called: Hereditary Cancer Syndrome; Hereditary neoplastic syndrome; Neoplastic Syndromes, Hereditary; Tumor predisposition. Identifiers: Orphanet 140162, MedGen C0027672, MeSH D009386, MONDO:0015356.
Cardiovascular phenotype. Identifiers: MedGen CN230736.
Neurofibromatosis, type 1 (NF1). Also called: NEUROFIBROMATOSIS, TYPE I, SOMATIC; Neurofibromatosis, type I; Peripheral type neurofibromatosis; VON RECKLINGHAUSEN DISEASE. Identifiers: Orphanet 636, MedGen C0027831, MONDO:0018975, OMIM 162200. Disease mechanism: loss of function.

Submissions (2):

Labcorp Genetics (formerly Invitae), Labcorp
Classification: Pathogenic for Neurofibromatosis, type 1. Last evaluated: 2024-12-15. Review status: criteria provided, single submitter. Criteria: Invitae Variant Classification Sherloc (09022015). Collection method: clinical testing. Allele origin: germline.
Comment: This sequence change creates a premature translational stop signal (p.Leu1256Thrfs*8) in the NF1 gene. It is expected to result in an absent or disrupted protein product. Loss-of-function variants in NF1 are known to be pathogenic (PMID: 10712197, 23913538). This variant is not present in population databases (gnomAD no frequency). This variant has not been reported in the literature in individuals affected with NF1-related conditions. For these reasons, this variant has been classified as Pathogenic.

Ambry Genetics
Classification: Pathogenic for Cardiovascular phenotype; Hereditary cancer-predisposing syndrome. Last evaluated: 2024-11-27. Review status: criteria provided, single submitter. Criteria: Ambry Variant Classification Scheme 2023. Collection method: clinical testing. Allele origin: germline.
Comment: The c.3765dupA pathogenic mutation, located in coding exon 28 of the NF1 gene, results from a duplication of A at nucleotide position 3765, causing a translational frameshift with a predicted alternate stop codon (p.L1256Tfs*8). This variant is considered to be rare based on population cohorts in the Genome Aggregation Database (gnomAD). This alteration is expected to result in loss of function by premature protein truncation or nonsense-mediated mRNA decay. As such, this alteration is interpreted as a disease-causing mutation.

Literature cited by the submitters: PubMed 10712197 (cited by Labcorp Genetics (formerly Invitae), Labcorp); PubMed 23913538 (cited by Labcorp Genetics (formerly Invitae), Labcorp).